The following is an entry in ClinVar:

NM_014855.3(AP5Z1):c.180-3C>G

Gene: AP5Z1 (adaptor related protein complex 5 subunit zeta 1; plus strand). Cytogenetic location: 7p22.1.
Variant type: single nucleotide variant.
Coding change: c.180-3C>G on transcript NM_014855.3 (MANE Select); 3 bases into the intron before coding-DNA position 180, C replaced by G.
Molecular consequence: intron variant.
Genome position (GRCh38, 1-based): chr7:4,781,565, C>G. VCF-style: chr7-4781565-C-G. GRCh37 (hg19) VCF-style: chr7-4821196-C-G.
Other names: c.-103+253C>G (NM_001364858.1); c.180-3C>G (NM_014855.2).
Identifiers: ClinVar variation 2581922 (VCV002581922.2), dbSNP rs1481553557, ClinGen allele CA572818914.
Genomic context (GRCh38, chr7:4,781,565, plus strand): 5'-CACCGGGTGCTCCTGCCACGGTCGTGACGTGTTACCGCCCACCACGGGCATCTCGCCTTC[C>G]AGGCTGGAGAAGACATGCGTAGACCTGCTGCAGGCCACCCTCGGCCTGCCTGCATGCCCC-3'

ClinVar aggregate classification (germline): Uncertain significance. Review status: criteria provided, multiple submitters, no conflicts (2 of 4 stars). 2 submissions from 2 submitters: Uncertain significance (2). Last evaluated 2024-06-06.

Allele frequency attached by ClinVar (database versions not stated): gnomAD 0.00001; TOPMed 0.00001.
gnomAD v4.1: 16 of 1,602,892 alleles (0.001%); highest among the groups gnomAD compares: Non-Finnish European, 0.0014%; no homozygotes.

Submissions (2):

Athena Diagnostics
Classification: Uncertain significance. Last evaluated: 2024-06-06. Review status: criteria provided, single submitter. Criteria: Athena Diagnostics Criteria. Collection method: clinical testing. Allele origin: unknown.

GeneDx
Classification: Uncertain significance. Last evaluated: 2023-03-28. Review status: criteria provided, single submitter. Criteria: GeneDx Variant Classification Process June 2021. Collection method: clinical testing. Allele origin: germline. Affected: yes.
Comment: Not observed at significant frequency in large population cohorts (gnomAD); In silico analysis supports a deleterious effect on splicing; Has not been previously published as pathogenic or benign to our knowledge